The following is an entry in ClinVar:

NM_000548.5(TSC2):c.1717-1G>A

Gene: TSC2 (TSC complex subunit 2; plus strand). Cytogenetic location: 16p13.3.
Variant type: single nucleotide variant.
Coding change: c.1717-1G>A on transcript NM_000548.5 (MANE Select); the canonical splice acceptor site of the intron before coding-DNA position 1717, G replaced by A.
Molecular consequence: splice acceptor variant.
Genome position (GRCh38, 1-based): chr16:2,070,455, G>A. VCF-style: chr16-2070455-G-A. GRCh37 (hg19) VCF-style: chr16-2120456-G-A.
Other names: c.373-1G>A (NM_001406693.1, NM_001406689.1, NM_001406690.1 and 6 more transcripts); c.1807-1G>A (NM_001406667.1, NM_001406668.1); c.1117-1G>A (NM_001406680.1, NM_001406683.1, NM_001406687.1 and 6 more transcripts); c.115-1G>A (NM_001406698.1); c.1717-1G>A (NM_001114382.3, NM_001077183.3, NM_001406663.1 and 6 more transcripts); c.1660-1G>A (NM_001406677.1); c.1570-1G>A (NM_001406675.1, NM_001406676.1, NM_001318829.2 and 1 more transcripts); c.1750-1G>A (NM_001318832.2); and 3 more.
Identifiers: ClinVar variation 49618 (VCV000049618.6), dbSNP rs45517192, ClinGen allele CA015534.

ClinVar aggregate classification (germline): Pathogenic/Likely pathogenic. Review status: criteria provided, multiple submitters, no conflicts (2 of 4 stars). 3 submissions from 3 submitters: Pathogenic (1); Likely pathogenic (1). 1 of the submissions does not count toward it. Last evaluated 2023-05-22.

Conditions:
Tuberous sclerosis syndrome (TSC). Also called: Tuberous Sclerosis Complex; Tuberous sclerosis. Identifiers: Orphanet 805, MedGen C0041341, MONDO:0001734.
Tuberous sclerosis 2 (TSC2). Identifiers: Orphanet 805, MedGen C1860707, MONDO:0013199, OMIM 613254.

Submissions (3):

Labcorp Genetics (formerly Invitae), Labcorp
Classification: Likely pathogenic for Tuberous sclerosis 2. Last evaluated: 2023-05-22. Review status: criteria provided, single submitter. Criteria: Invitae Variant Classification Sherloc (09022015). Collection method: clinical testing. Allele origin: germline.
Comment: In summary, the currently available evidence indicates that the variant is pathogenic, but additional data are needed to prove that conclusively. Therefore, this variant has been classified as Likely Pathogenic. Algorithms developed to predict the effect of sequence changes on RNA splicing suggest that this variant may disrupt the consensus splice site. ClinVar contains an entry for this variant (Variation ID: 49618). This variant has not been reported in the literature in individuals affected with TSC2-related conditions. This variant is not present in population databases (gnomAD no frequency). This sequence change affects an acceptor splice site in intron 16 of the TSC2 gene. It is expected to disrupt RNA splicing. Variants that disrupt the donor or acceptor splice site typically lead to a loss of protein function (PMID: 16199547), and loss-of-function variants in TSC2 are known to be pathogenic (PMID: 10205261, 17304050).

Division of Genomic Medicine, Department of Advanced Medicine, Medical Research Institute, Kanazawa Medical University
Classification: Pathogenic for Tuberous sclerosis 2. Last evaluated: 2022-07-19. Review status: criteria provided, single submitter. Criteria: ACMG Guidelines, 2015. Collection method: clinical testing. Allele origin: germline. Affected: yes. Observed: 1 variant allele.

Tuberous sclerosis database (TSC2)
No classification provided. Condition: TSC. Review status: no classification provided. Criteria: Tuberous Sclerosis Database Assertion Criteria 2015. Collection method: curation. Allele origin: germline. Affected: yes. Not counted in ClinVar's aggregate classification.

Literature cited by the submitters: PubMed 16199547 (cited by Labcorp Genetics (formerly Invitae), Labcorp); PubMed 10205261 (cited by Labcorp Genetics (formerly Invitae), Labcorp); PubMed 17304050 (cited by Labcorp Genetics (formerly Invitae), Labcorp).